The following is an entry in ClinVar:

ClinVar aggregate classification (germline): Uncertain significance (1 of 4 stars; one submission).

Conditions:
Wilms tumor 1 (WT1). Also called: Wilms tumor, somatic. Identifiers: Orphanet 654, MedGen CN033288, MONDO:0008679, OMIM 194070.

Submission:

Labcorp Genetics (formerly Invitae), Labcorp
Classification: Uncertain significance for Wilms tumor 1. Last evaluated: 2024-04-30. Review status: criteria provided, single submitter. Criteria: Invitae Variant Classification Sherloc (09022015). Collection method: clinical testing. Allele origin: germline.
Comment: This sequence change replaces leucine, which is neutral and non-polar, with tryptophan, which is neutral and slightly polar, at codon 18 of the GPC3 protein (p.Leu18Trp). This variant is not present in population databases (gnomAD no frequency). This variant has not been reported in the literature in individuals affected with GPC3-related conditions. ClinVar contains an entry for this variant (Variation ID: 1372146). Algorithms developed to predict the effect of missense changes on protein structure and function output the following: SIFT: "Not Available"; PolyPhen-2: "Probably Damaging"; Align-GVGD: "Not Available". The tryptophan amino acid residue is found in multiple mammalian species, which suggests that this missense change does not adversely affect protein function. In summary, the available evidence is currently insufficient to determine the role of this variant in disease. Therefore, it has been classified as a Variant of Uncertain Significance.

NM_004484.4(GPC3):c.53T>G (p.Leu18Trp)

Gene: GPC3 (glypican 3; minus strand). Cytogenetic location: Xq26.2.
Variant type: single nucleotide variant.
Coding change: c.53T>G on transcript NM_004484.4 (MANE Select); coding-DNA position 53, T replaced by G.
Protein change: p.Leu18Trp; replaces leucine 18 with tryptophan.
Molecular consequence: missense variant.
Genome position (GRCh38, 1-based): chrX:133,985,397, A>C on the plus strand (T>G on the coding strand, the complement: GPC3 is on the minus strand). VCF-style: chrX-133985397-A-C. GRCh37 (hg19) VCF-style: chrX-133119424-A-C.
Other names: c.53T>G, p.Leu18Trp (NM_001164617.2, NM_001164618.2, NM_001164619.2); short protein forms L18W.
Identifiers: ClinVar variation 1372146 (VCV001372146.8), dbSNP rs1011652636, ClinGen allele CA335997695.